The following is an entry in ClinVar:

NM_000214.3(JAG1):c.658T>A (p.Cys220Ser)

Gene: JAG1 (jagged canonical Notch ligand 1; minus strand). Cytogenetic location: 20p12.2.
Variant type: single nucleotide variant.
Coding change: c.658T>A on transcript NM_000214.3 (MANE Select); coding-DNA position 658, T replaced by A.
Protein change: p.Cys220Ser; replaces cysteine 220 with serine.
Molecular consequence: missense variant.
Genome position (GRCh38, 1-based): chr20:10,658,504, A>T on the plus strand (T>A on the coding strand, the complement: JAG1 is on the minus strand). VCF-style: chr20-10658504-A-T. GRCh37 (hg19) VCF-style: chr20-10639152-A-T.
Other names: short protein forms C220S.
Identifiers: ClinVar variation 3573079 (VCV003573079.2).

Conditions:
Arteriohepatic dysplasia. Also called: Alagille Syndrome. Identifiers: Orphanet 52, MedGen C0085280, MeSH D016738, MONDO:0007318.

Submission:

Gilbert/Spinner Lab, Children's Hospital of Philadelphia
No classification provided (evidence only). Condition: Alagille syndrome. Review status: no classification provided. Collection method: research. Allele origin: not applicable. Functional consequence: functionally_abnormal.
ClinVar note: "not provided" was previously submitted as the classification for the variant. However, the classification appeared to be based only on an observation of functional data so it was converted to no classification on 2025-07-30.